The following is an entry in ClinVar:

ClinVar aggregate classification (germline): Likely benign (1 of 4 stars; one submission).

Allele frequency attached by ClinVar (database versions not stated): gnomAD exomes below 0.00001.

Submission:

GeneDx
Classification: Likely benign. Last evaluated: 2016-11-14. Review status: criteria provided, single submitter. Criteria: GeneDx Variant Classification (06012015). Collection method: clinical testing. Allele origin: germline. Affected: yes.
Comment: This variant is considered likely benign or benign based on one or more of the following criteria: it is a conservative change, it occurs at a poorly conserved position in the protein, it is predicted to be benign by multiple in silico algorithms, and/or has population frequency not consistent with disease.

NM_000391.4(TPP1):c.230-19C>T

Gene: TPP1 (tripeptidyl peptidase 1; minus strand). Cytogenetic location: 11p15.4.
Variant type: single nucleotide variant.
Coding change: c.230-19C>T on transcript NM_000391.4 (MANE Select); 19 bases into the intron before coding-DNA position 230, C replaced by T.
Molecular consequence: intron variant.
Genome position (GRCh38, 1-based): chr11:6,617,795, G>A on the plus strand (C>T on the coding strand, the complement: TPP1 is on the minus strand). VCF-style: chr11-6617795-G-A. GRCh37 (hg19) VCF-style: chr11-6639026-G-A.
Identifiers: ClinVar variation 390954 (VCV000390954.1), dbSNP rs1057523929, ClinGen allele CA16606363.
Genomic context (GRCh38, chr11:6,617,795, plus strand): 5'-GCCTCACCAGATCAGCCACATTCTCTAGGGTCAGGTATTTTCCTGCAGGGATTCAGAAGA[G>A]GCACTTGCCCTCATTCATTGCTTTCCCAAACTCCCCCTTTTGGACCTCAACTATGAGACA-3'